The following is an entry in ClinVar:

NM_014053.4(FLVCR1):c.1478G>A (p.Gly493Glu)

Gene: FLVCR1 (FLVCR choline and heme transporter 1; plus strand). Cytogenetic location: 1q32.3.
Variant type: single nucleotide variant.
Coding change: c.1478G>A on transcript NM_014053.4 (MANE Select); coding-DNA position 1478, G replaced by A.
Protein change: p.Gly493Glu; replaces glycine 493 with glutamic acid.
Molecular consequence: missense variant.
Genome position (GRCh38, 1-based): chr1:212,889,210, G>A. VCF-style: chr1-212889210-G-A. GRCh37 (hg19) VCF-style: chr1-213062552-G-A.
Other names: short protein forms G493E.
Identifiers: ClinVar variation 3901219 (VCV003901219.1).

ClinVar aggregate classification (germline): Uncertain significance (1 of 4 stars; one submission).

Conditions:
Neurodevelopmental disorder with microcephaly, absent speech, and hypotonia. Identifiers: MedGen C5975578, MONDO:0976126, OMIM 621060.

Submission:

Institute of Human Genetics, University of Leipzig Medical Center
Classification: Uncertain significance for Neurodevelopmental disorder with microcephaly, absent speech, and hypotonia. Last evaluated: 2025-04-11. Review status: criteria provided, single submitter. Criteria: ACMG Guidelines, 2015. Collection method: clinical testing. Allele origin: inherited. Inheritance: Autosomal recessive inheritance. Affected: yes.
Comment: Criteria applied: PM2,PM5,PM3_SUP